The following is an entry in ClinVar:

ClinVar aggregate classification (germline): Uncertain significance (1 of 4 stars; one submission).

Submission:

GeneDx
Classification: Uncertain significance. Last evaluated: 2022-06-16. Review status: criteria provided, single submitter. Criteria: GeneDx Variant Classification Process June 2021. Collection method: clinical testing. Allele origin: germline. Affected: yes.
Comment: Not observed at significant frequency in large population cohorts (gnomAD); In silico analysis supports that this missense variant has a deleterious effect on protein structure/function; Has not been previously published as pathogenic or benign to our knowledge

NM_005458.8(GABBR2):c.1457C>T (p.Ser486Phe)

Gene: GABBR2 (gamma-aminobutyric acid type B receptor subunit 2; minus strand). Cytogenetic location: 9q22.33.
Variant type: single nucleotide variant.
Coding change: c.1457C>T on transcript NM_005458.8 (MANE Select); coding-DNA position 1457, C replaced by T.
Protein change: p.Ser486Phe; replaces serine 486 with phenylalanine.
Molecular consequence: missense variant.
Genome position (GRCh38, 1-based): chr9:98,388,926, G>A on the plus strand (C>T on the coding strand, the complement: GABBR2 is on the minus strand). VCF-style: chr9-98388926-G-A. GRCh37 (hg19) VCF-style: chr9-101151208-G-A.
Other names: short protein forms S486F.
Identifiers: ClinVar variation 1804224 (VCV001804224.1), dbSNP rs2491436116, ClinGen allele CA374211708.